The following is an entry in ClinVar:

ClinVar aggregate classification (germline): Uncertain significance. Review status: criteria provided, multiple submitters, no conflicts (2 of 4 stars). 2 submissions from 2 submitters: Uncertain significance (2). Last evaluated 2024-09-30.

Conditions:
Inborn genetic diseases. Identifiers: MedGen C0950123, MeSH D030342.

Allele frequency attached by ClinVar (database versions not stated): ExAC 0.00001; gnomAD 0.00001; gnomAD exomes 0.00001; TOPMed 0.00003.
gnomAD v4.1: 17 of 1,613,684 alleles (0.0011%); highest among the groups gnomAD compares: Middle Eastern, 0.016%; no homozygotes.

Submissions (2):

Ambry Genetics
Classification: Uncertain significance for Inborn genetic diseases. Last evaluated: 2024-09-30. Review status: criteria provided, single submitter. Criteria: Ambry Variant Classification Scheme 2023. Collection method: clinical testing. Allele origin: germline.

Labcorp Genetics (formerly Invitae), Labcorp
Classification: Uncertain significance. Last evaluated: 2024-08-22. Review status: criteria provided, single submitter. Criteria: Invitae Variant Classification Sherloc (09022015). Collection method: clinical testing. Allele origin: germline.
Comment: This sequence change replaces arginine, which is basic and polar, with tryptophan, which is neutral and slightly polar, at codon 245 of the PHYH protein (p.Arg245Trp). This variant is present in population databases (rs753737115, gnomAD 0.01%). This variant has not been reported in the literature in individuals affected with PHYH-related conditions. ClinVar contains an entry for this variant (Variation ID: 1922339). Invitae Evidence Modeling of protein sequence and biophysical properties (such as structural, functional, and spatial information, amino acid conservation, physicochemical variation, residue mobility, and thermodynamic stability) indicates that this missense variant is not expected to disrupt PHYH protein function with a negative predictive value of 80%. In summary, the available evidence is currently insufficient to determine the role of this variant in disease. Therefore, it has been classified as a Variant of Uncertain Significance.

NM_006214.4(PHYH):c.733C>T (p.Arg245Trp)

Gene: PHYH (phytanoyl-CoA 2-hydroxylase; minus strand). Cytogenetic location: 10p13.
Variant type: single nucleotide variant.
Coding change: c.733C>T on transcript NM_006214.4 (MANE Select); coding-DNA position 733, C replaced by T.
Protein change: p.Arg245Trp; replaces arginine 245 with tryptophan.
Molecular consequence: missense variant.
Genome position (GRCh38, 1-based): chr10:13,283,785, G>A on the plus strand (C>T on the coding strand, the complement: PHYH is on the minus strand). VCF-style: chr10-13283785-G-A. GRCh37 (hg19) VCF-style: chr10-13325785-G-A.
Other names: c.733C>T (NM_006214.3); c.433C>T, p.Arg145Trp (NM_001037537.2, NM_001323080.2); c.739C>T, p.Arg247Trp (NM_001323082.2); c.469C>T, p.Arg157Trp (NM_001323083.2); c.439C>T, p.Arg147Trp (NM_001323084.2); short protein forms R145W, R157W, R147W, R245W, R247W.
Identifiers: ClinVar variation 1922339 (VCV001922339.5), dbSNP rs753737115, ClinGen allele CA5412247.